The following is an entry in ClinVar:

NM_005984.5(SLC25A1):c.632-3C>T

Gene: SLC25A1 (solute carrier family 25 member 1; minus strand). Cytogenetic location: 22q11.21.
Variant type: single nucleotide variant.
Coding change: c.632-3C>T on transcript NM_005984.5 (MANE Select); 3 bases into the intron before coding-DNA position 632, C replaced by T.
Molecular consequence: intron variant.
Genome position (GRCh38, 1-based): chr22:19,176,696, G>A on the plus strand (C>T on the coding strand, the complement: SLC25A1 is on the minus strand). VCF-style: chr22-19176696-G-A. GRCh37 (hg19) VCF-style: chr22-19164209-G-A.
Other names: c.323-3C>T (NM_001287387.2); c.653-3C>T (NM_001256534.2).
Identifiers: ClinVar variation 2882161 (VCV002882161.11), dbSNP rs199895674, ClinGen allele CA10097347.

ClinVar aggregate classification (germline): Likely benign. Review status: criteria provided, multiple submitters, no conflicts (2 of 4 stars). 3 submissions from 3 submitters: Likely benign (3). Last evaluated 2026-06-01.

Allele frequency attached by ClinVar (database versions not stated): gnomAD 0.00006; TOPMed 0.00006; ExAC 0.00009; ESP Exome Variant Server 0.00023.
gnomAD v4.1: 99 of 1,612,208 alleles (0.0061%); highest among the groups gnomAD compares: Non-Finnish European, 0.0013%; 1 homozygote.

Submissions (3):

CeGaT Center for Human Genetics Tuebingen
Classification: Likely benign. Last evaluated: 2026-06-01. Review status: criteria provided, single submitter. Criteria: CeGaT Center For Human Genetics Tuebingen Variant Classification Criteria Version 2. Collection method: clinical testing. Allele origin: germline. Affected: yes. Observed: 2 variant alleles.
Comment: SLC25A1: BP4

Labcorp Genetics (formerly Invitae), Labcorp
Classification: Likely benign. Last evaluated: 2024-12-18. Review status: criteria provided, single submitter. Criteria: Invitae Variant Classification Sherloc (09022015). Collection method: clinical testing. Allele origin: germline.

Blueprint Genetics
Classification: Likely benign. Last evaluated: 2019-12-23. Review status: criteria provided, single submitter. Criteria: ACMG Guidelines, 2015. Collection method: clinical testing. Allele origin: germline.